The following is an entry in ClinVar:

NM_000051.4(ATM):c.1201C>G (p.Gln401Glu)

Gene: ATM (ATM serine/threonine kinase; plus strand). Cytogenetic location: 11q22.3.
Variant type: single nucleotide variant.
Coding change: c.1201C>G on transcript NM_000051.4 (MANE Select); coding-DNA position 1201, C replaced by G.
Protein change: p.Gln401Glu; replaces glutamine 401 with glutamic acid.
Molecular consequence: missense variant.
Genome position (GRCh38, 1-based): chr11:108,249,068, C>G. VCF-style: chr11-108249068-C-G. GRCh37 (hg19) VCF-style: chr11-108119795-C-G.
Other names: c.1201C>G, p.Gln401Glu (NM_001351834.2); c.1201C>G (NM_000051.3); short protein forms Q401E.
Identifiers: ClinVar variation 1347946 (VCV001347946.4), dbSNP rs772529339, ClinGen allele CA382532595.

ClinVar aggregate classification (germline): Uncertain significance. Review status: criteria provided, multiple submitters, no conflicts (2 of 4 stars). 2 submissions from 2 submitters: Uncertain significance (2). Last evaluated 2026-04-02.

Conditions:
Hereditary cancer-predisposing syndrome. Also called: Neoplastic Syndromes, Hereditary; Tumor predisposition; Hereditary Cancer Syndrome; Hereditary neoplastic syndrome. Identifiers: Orphanet 140162, MedGen C0027672, MeSH D009386, MONDO:0015356.
Ataxia-telangiectasia syndrome (AT). Also called: ATAXIA-TELANGIECTASIA, COMPLEMENTATION GROUP A; ATAXIA-TELANGIECTASIA, FRESNO VARIANT; Ataxia-telangiectasia; Ataxia-telangiectasia, complementation group D; AT, COMPLEMENTATION GROUP C; LOUIS-BAR SYNDROME. Identifiers: Orphanet 100, MedGen C0004135, MONDO:0008840, OMIM 208900.

gnomAD v4.1: 1 of 1,613,980 alleles (0.000062%); highest among the groups gnomAD compares: Non-Finnish European, 0.000085%; no homozygotes.

Submissions (2):

Ambry Genetics
Classification: Uncertain significance for Hereditary cancer-predisposing syndrome. Last evaluated: 2026-04-02. Review status: criteria provided, single submitter. Criteria: Ambry Variant Classification Scheme 2023. Collection method: clinical testing. Allele origin: germline.
Comment: The p.Q401E variant (also known as c.1201C>G), located in coding exon 8 of the ATM gene, results from a C to G substitution at nucleotide position 1201. The glutamine at codon 401 is replaced by glutamic acid, an amino acid with highly similar properties. This amino acid position is conserved. In addition, this alteration is predicted to be tolerated by in silico analysis. Based on the available evidence, the clinical significance of this variant remains unclear.

Labcorp Genetics (formerly Invitae), Labcorp
Classification: Uncertain significance for Ataxia-telangiectasia syndrome. Last evaluated: 2021-09-01. Review status: criteria provided, single submitter. Criteria: Invitae Variant Classification Sherloc (09022015). Collection method: clinical testing. Allele origin: germline.